The following is an entry in ClinVar:

ClinVar aggregate classification (germline): Uncertain significance (1 of 4 stars; one submission).

Conditions:
Catecholaminergic polymorphic ventricular tachycardia 1. Also called: VENTRICULAR TACHYCARDIA, STRESS-INDUCED POLYMORPHIC 1; VENTRICULAR TACHYCARDIA, CATECHOLAMINERGIC POLYMORPHIC, 1, WITH OR WITHOUT ATRIAL DYSFUNCTION AND/OR DILATED CARDIOMYOPATHY; RYR2-Related Catecholaminergic Polymorphic Ventricular Tachycardia. Identifiers: Orphanet 3286, MedGen C1631597, MONDO:0011484, OMIM 604772.

Allele frequency attached by ClinVar (database versions not stated): gnomAD exomes below 0.00001; ExAC 0.00001.
gnomAD v4.1: 1 of 1,610,404 alleles (0.000062%); highest among the groups gnomAD compares: East Asian, 0.0022%; no homozygotes.

Submission:

Labcorp Genetics (formerly Invitae), Labcorp
Classification: Uncertain significance for Catecholaminergic polymorphic ventricular tachycardia 1. Last evaluated: 2022-04-07. Review status: criteria provided, single submitter. Criteria: Invitae Variant Classification Sherloc (09022015). Collection method: clinical testing. Allele origin: germline.
Comment: This sequence change replaces aspartic acid, which is acidic and polar, with glycine, which is neutral and non-polar, at codon 2934 of the RYR2 protein (p.Asp2934Gly). This variant is present in population databases (rs779441607, gnomAD 0.006%). This variant has not been reported in the literature in individuals affected with RYR2-related conditions. Advanced modeling of protein sequence and biophysical properties (such as structural, functional, and spatial information, amino acid conservation, physicochemical variation, residue mobility, and thermodynamic stability) performed at Invitae indicates that this missense variant is expected to disrupt RYR2 protein function. In summary, the available evidence is currently insufficient to determine the role of this variant in disease. Therefore, it has been classified as a Variant of Uncertain Significance.

NM_001035.3(RYR2):c.8801A>G (p.Asp2934Gly)

Gene: RYR2 (ryanodine receptor 2; plus strand). Cytogenetic location: 1q43.
Variant type: single nucleotide variant.
Coding change: c.8801A>G on transcript NM_001035.3 (MANE Select); coding-DNA position 8801, A replaced by G.
Protein change: p.Asp2934Gly; replaces aspartic acid 2934 with glycine.
Molecular consequence: missense variant.
Genome position (GRCh38, 1-based): chr1:237,674,817, A>G. VCF-style: chr1-237674817-A-G. GRCh37 (hg19) VCF-style: chr1-237838117-A-G.
Other names: short protein forms D2934G.
Identifiers: ClinVar variation 2141922 (VCV002141922.1), dbSNP rs779441607, ClinGen allele CA087729.